The following is an entry in ClinVar:

NM_000823.4(GHRHR):c.490G>A (p.Val164Ile)

Gene: GHRHR (growth hormone releasing hormone receptor; plus strand). Cytogenetic location: 7p14.3.
Variant type: single nucleotide variant.
Coding change: c.490G>A on transcript NM_000823.4 (MANE Select); coding-DNA position 490, G replaced by A.
Protein change: p.Val164Ile; replaces valine 164 with isoleucine.
Molecular consequence: missense variant.
Genome position (GRCh38, 1-based): chr7:30,971,988, G>A. VCF-style: chr7-30971988-G-A. GRCh37 (hg19) VCF-style: chr7-31011603-G-A.
Other names: short protein forms V164I.
Identifiers: ClinVar variation 910805 (VCV000910805.10), dbSNP rs138615339, ClinGen allele CA4208550.

ClinVar aggregate classification (germline): Conflicting classifications of pathogenicity. Review status: criteria provided, conflicting classifications (1 of 4 stars). 5 submissions from 5 submitters: Uncertain significance (3); Likely benign (2). Last evaluated 2025-07-18.

Conditions:
Isolated growth hormone deficiency type IB (IGHD1B). Also called: IGHD IB; IGHD 1B. Identifiers: Orphanet 231671, Orphanet 631, MedGen C2748571, MONDO:0013006, OMIM 612781.
Inborn genetic diseases. Identifiers: MedGen C0950123, MeSH D030342.

Allele frequency attached by ClinVar (database versions not stated): TOPMed 0.00023; gnomAD 0.00024 and 0.00026; ExAC 0.00028; gnomAD exomes 0.00032 and 0.00042; 1000 Genomes Project 0.00040; ESP Exome Variant Server 0.00046; 1000 Genomes Project 30x 0.00047.
gnomAD v4.1: 650 of 1,613,890 alleles (0.04%); highest among the groups gnomAD compares: South Asian, 0.076%; 1 homozygote.

Submissions (5):

Women's Health and Genetics/Laboratory Corporation of America, LabCorp
Classification: Likely benign. Last evaluated: 2025-07-18. Review status: criteria provided, single submitter. Criteria: LabCorp Variant Classification Summary - May 2015. Collection method: clinical testing. Allele origin: germline.
Comment: Variant summary: GHRHR c.490G>A (p.Val164Ile) results in a conservative amino acid change in the encoded protein sequence. Algorithms developed to predict the effect of missense changes on protein structure and function are either unavailable or do not agree on the potential impact of this missense change. The variant allele was found at a frequency of 0.0004 in 1606918 control chromosomes, predominantly at a frequency of 0.00076 within the South Asian subpopulation in the gnomAD database, including 1 homozygote. To our knowledge, no occurrence of c.490G>A in individuals affected with Isolated growth hormone deficiency, type 4 and no experimental evidence demonstrating its impact on protein function have been reported. However, sequence comparison with other vertebrate species indicates that the Val to Ile substitution at this codon is phylogenetically not constrained (e.g. PMID 2935873). ClinVar contains an entry for this variant (Variation ID: 910805). Based on the evidence outlined above, the variant was classified as likely benign.

Blueprint Genetics
Classification: Uncertain significance. Last evaluated: 2024-10-24. Review status: criteria provided, single submitter. Criteria: ACMG Guidelines, 2015. Collection method: clinical testing. Allele origin: germline.

Ambry Genetics
Classification: Likely benign for Inborn genetic diseases. Last evaluated: 2023-08-21. Review status: criteria provided, single submitter. Criteria: Ambry Variant Classification Scheme 2023. Collection method: clinical testing. Allele origin: germline.

Labcorp Genetics (formerly Invitae), Labcorp
Classification: Uncertain significance. Last evaluated: 2022-09-01. Review status: criteria provided, single submitter. Criteria: Invitae Variant Classification Sherloc (09022015). Collection method: clinical testing. Allele origin: germline.
Comment: This sequence change replaces valine, which is neutral and non-polar, with isoleucine, which is neutral and non-polar, at codon 164 of the GHRHR protein (p.Val164Ile). This variant is present in population databases (rs138615339, gnomAD 0.06%). This variant has not been reported in the literature in individuals affected with GHRHR-related conditions. ClinVar contains an entry for this variant (Variation ID: 910805). Algorithms developed to predict the effect of missense changes on protein structure and function output the following: SIFT: "Tolerated"; PolyPhen-2: "Benign"; Align-GVGD: "Class C0". The isoleucine amino acid residue is found in multiple mammalian species, which suggests that this missense change does not adversely affect protein function. In summary, the available evidence is currently insufficient to determine the role of this variant in disease. Therefore, it has been classified as a Variant of Uncertain Significance.

Illumina Laboratory Services, Illumina
Classification: Uncertain significance for Isolated growth hormone deficiency type IB. Last evaluated: 2018-01-13. Review status: criteria provided, single submitter. Criteria: ICSL Variant Classification Criteria 13 December 2019. Collection method: clinical testing. Allele origin: germline.